The following is an entry in ClinVar:

NM_001103.4(ACTN2):c.2545G>A (p.Glu849Lys)

Gene: ACTN2 (actinin alpha 2; plus strand). Cytogenetic location: 1q43.
Variant type: single nucleotide variant.
Coding change: c.2545G>A on transcript NM_001103.4 (MANE Select); coding-DNA position 2545, G replaced by A.
Protein change: p.Glu849Lys; replaces glutamic acid 849 with lysine.
Molecular consequence: missense variant.
Genome position (GRCh38, 1-based): chr1:236,762,479, G>A. VCF-style: chr1-236762479-G-A. GRCh37 (hg19) VCF-style: chr1-236925779-G-A.
Other names: c.2545G>A, p.Glu849Lys (NM_001278343.2); c.1921G>A, p.Glu641Lys (NM_001278344.2); short protein forms E849K, E641K.
Identifiers: ClinVar variation 964886 (VCV000964886.8), dbSNP rs1659736554, ClinGen allele CA345392100.

ClinVar aggregate classification (germline): Uncertain significance (1 of 4 stars; one submission).

Conditions:
Dilated cardiomyopathy 1AA (CMD1AA). Also called: Cardiomyopathy, dilated, 1AA, with or without LVNC; CARDIOMYOPATHY, DILATED, 1AA, WITH OR WITHOUT LEFT VENTRICULAR NONCOMPACTION; CARDIOMYOPATHY, FAMILIAL HYPERTROPHIC, 23, WITH OR WITHOUT LEFT VENTRICULAR NONCOMPACTION. Identifiers: Orphanet 154, MedGen C2677338, MONDO:0012808, OMIM 612158.
Primary familial hypertrophic cardiomyopathy (HCM). Identifiers: Orphanet 99739, MedGen C0949658, MeSH D024741, MONDO:0024573. Inheritance: Various modes of inheritance.

Allele frequency attached by ClinVar (database versions not stated): TOPMed below 0.00001; gnomAD exomes 0.00001.
gnomAD v4.1: 6 of 1,614,134 alleles (0.00037%); highest among the groups gnomAD compares: Non-Finnish European, 0.00051%; no homozygotes.

Submission:

Labcorp Genetics (formerly Invitae), Labcorp
Classification: Uncertain significance for Primary familial hypertrophic cardiomyopathy; Dilated cardiomyopathy 1AA. Last evaluated: 2019-10-09. Review status: criteria provided, single submitter. Criteria: Invitae Variant Classification Sherloc (09022015). Collection method: clinical testing. Allele origin: germline.
Comment: In summary, the available evidence is currently insufficient to determine the role of this variant in disease. Therefore, it has been classified as a Variant of Uncertain Significance. Algorithms developed to predict the effect of missense changes on protein structure and function (SIFT, PolyPhen-2, Align-GVGD) all suggest that this variant is likely to be disruptive, but these predictions have not been confirmed by published functional studies and their clinical significance is uncertain. This variant has been observed in an individual who suffered sudden unexplained death (PMID: 29247119). This variant is not present in population databases (ExAC no frequency). This sequence change replaces glutamic acid with lysine at codon 849 of the ACTN2 protein (p.Glu849Lys). The glutamic acid residue is highly conserved and there is a small physicochemical difference between glutamic acid and lysine.

Literature cited by the submitters: PubMed 29247119.